The following is an entry in ClinVar:

NM_001256715.2(DNAAF3):c.875A>G (p.Glu292Gly)

Genes: DNAAF3 (dynein axonemal assembly factor 3; minus strand), DNAAF3-AS1 (DNAAF3 antisense RNA 1; plus strand). Cytogenetic location: 19q13.42.
Variant type: single nucleotide variant.
Coding change: c.875A>G on transcript NM_001256715.2 (MANE Select); coding-DNA position 875, A replaced by G.
Protein change: p.Glu292Gly; replaces glutamic acid 292 with glycine.
Molecular consequence: missense variant.
Genome position (GRCh38, 1-based): chr19:55,161,102, T>C on the plus strand (A>G on the coding strand, the complement: DNAAF3 is on the minus strand). VCF-style: chr19-55161102-T-C. GRCh37 (hg19) VCF-style: chr19-55672470-T-C.
Other names: p.Glu360Gly; c.1079A>G, p.Glu360Gly (NM_001256714.1); c.713A>G, p.Glu238Gly (NM_001256716.2); c.1016A>G, p.Glu339Gly (NM_178837.4); short protein forms E339G, E360G, E238G, E292G.
Identifiers: ClinVar variation 257676 (VCV000257676.26), dbSNP rs2365725, ClinGen allele CA9668031.

ClinVar aggregate classification (germline): Benign/Likely benign. Review status: criteria provided, multiple submitters, no conflicts (2 of 4 stars). 10 submissions from 10 submitters: Benign (7); Likely benign (2). 1 of the submissions does not count toward it. Last evaluated 2026-02-03.

Conditions:
Primary ciliary dyskinesia. Also called: Ciliary dyskinesia. Identifiers: Orphanet 244, MedGen C0008780, MONDO:0016575, HP:0012265.
Primary ciliary dyskinesia 2. Also called: CILIARY DYSKINESIA, PRIMARY, 2, WITH OR WITHOUT SITUS INVERSUS. Identifiers: Orphanet 244, MedGen C1847554, MONDO:0011718, OMIM 606763.

Allele frequency attached by ClinVar (database versions not stated): gnomAD exomes 0.15369 and 0.15907; ExAC 0.19630; ESP Exome Variant Server 0.20211; 1000 Genomes Project 0.22764; 1000 Genomes Project 30x 0.23517; gnomAD 0.24050 and 0.24847; TOPMed 0.25874.
gnomAD v4.1: 252,031 of 1,543,812 alleles (16%); highest among the groups gnomAD compares: African/African-American, 49%; 25,671 homozygotes.

Submissions (10):

Labcorp Genetics (formerly Invitae), Labcorp
Classification: Benign for Primary ciliary dyskinesia. Last evaluated: 2026-02-03. Review status: criteria provided, single submitter. Criteria: Invitae Variant Classification Sherloc (09022015). Collection method: clinical testing. Allele origin: germline.

Blueprint Genetics
Classification: Likely benign. Last evaluated: 2024-11-28. Review status: criteria provided, single submitter. Criteria: ACMG Guidelines, 2015. Collection method: clinical testing. Allele origin: germline.

Mayo Clinic Laboratories, Mayo Clinic
Classification: Benign. Last evaluated: 2022-04-26. Review status: criteria provided, single submitter. Criteria: ACMG Guidelines, 2015. Collection method: clinical testing. Allele origin: germline. Observed: 65 variant alleles.

GeneDx
Classification: Benign. Last evaluated: 2018-07-09. Review status: criteria provided, single submitter. Criteria: GeneDx Variant Classification Process June 2021. Collection method: clinical testing. Allele origin: germline. Affected: yes.

Ambry Genetics
Classification: Benign for Primary ciliary dyskinesia. Last evaluated: 2016-07-15. Review status: criteria provided, single submitter. Criteria: Ambry Variant Classification Scheme 2023. Collection method: clinical testing. Allele origin: germline.

Laboratory for Molecular Medicine, Mass General Brigham Personalized Medicine
Classification: Benign. Last evaluated: 2016-03-28. Review status: criteria provided, single submitter. Criteria: LMM Criteria. Collection method: clinical testing. Allele origin: germline.
Comment: Variant identified in a genome or exome case(s) and assessed due to predicted null impact of the variant or pathogenic assertions in the literature or databases. Disclaimer: This variant has not undergone full assessment. The following are preliminary notes: Frequency

Clinical Genetics DNA and cytogenetics Diagnostics Lab, Erasmus MC, Erasmus Medical Center
Classification: Benign for Primary ciliary dyskinesia 2. Last evaluated: 2015-09-21. Review status: criteria provided, single submitter. Criteria: ACGS Guidelines, 2013. Collection method: clinical testing. Allele origin: germline. Affected: yes. Study: VKGL Data-share Consensus.

Breakthrough Genomics
Classification: Likely benign. Review status: criteria provided, single submitter. Criteria: ACMG Guidelines, 2015. Collection method: not provided. Allele origin: germline. Inheritance: Autosomal recessive inheritance. Affected: yes.

PreventionGenetics, part of Exact Sciences
Classification: Benign. Review status: criteria provided, single submitter. Criteria: ACMG Guidelines, 2015. Collection method: clinical testing. Allele origin: germline.

Diagnostic Laboratory, Department of Genetics, University Medical Center Groningen
Classification: Benign for Primary ciliary dyskinesia 2. Review status: no assertion criteria provided. Collection method: clinical testing. Allele origin: germline. Affected: yes. Study: VKGL Data-share Consensus. Not counted in ClinVar's aggregate classification.